The following is an entry in ClinVar:

ClinVar aggregate classification (germline): Uncertain significance. Review status: criteria provided, multiple submitters, no conflicts (2 of 4 stars). 2 submissions from 2 submitters: Uncertain significance (2). Last evaluated 2024-01-22.

Conditions:
Inborn genetic diseases. Identifiers: MedGen C0950123, MeSH D030342.

Allele frequency attached by ClinVar (database versions not stated): ExAC 0.00004.
gnomAD v4.1: 11 of 1,604,192 alleles (0.00069%); highest among the groups gnomAD compares: Admixed American, 0.0083%; no homozygotes.

Submissions (2):

Ambry Genetics
Classification: Uncertain significance for Inborn genetic diseases. Last evaluated: 2024-01-22. Review status: criteria provided, single submitter. Criteria: Ambry Variant Classification Scheme 2023. Collection method: clinical testing. Allele origin: germline.

Labcorp Genetics (formerly Invitae), Labcorp
Classification: Uncertain significance. Last evaluated: 2022-04-23. Review status: criteria provided, single submitter. Criteria: Invitae Variant Classification Sherloc (09022015). Collection method: clinical testing. Allele origin: germline.
Comment: This sequence change replaces glutamic acid, which is acidic and polar, with lysine, which is basic and polar, at codon 793 of the TELO2 protein (p.Glu793Lys). This variant is present in population databases (rs769720218, gnomAD 0.02%). This variant has not been reported in the literature in individuals affected with TELO2-related conditions. Algorithms developed to predict the effect of missense changes on protein structure and function are either unavailable or do not agree on the potential impact of this missense change (SIFT: "Tolerated"; PolyPhen-2: "Probably Damaging"; Align-GVGD: "Class C0"). In summary, the available evidence is currently insufficient to determine the role of this variant in disease. Therefore, it has been classified as a Variant of Uncertain Significance.

NM_016111.4(TELO2):c.2377G>A (p.Glu793Lys)

Gene: TELO2 (telomere maintenance 2; plus strand). Cytogenetic location: 16p13.3.
Variant type: single nucleotide variant.
Coding change: c.2377G>A on transcript NM_016111.4 (MANE Select); coding-DNA position 2377, G replaced by A.
Protein change: p.Glu793Lys; replaces glutamic acid 793 with lysine.
Molecular consequence: missense variant.
Genome position (GRCh38, 1-based): chr16:1,507,686, G>A. VCF-style: chr16-1507686-G-A. GRCh37 (hg19) VCF-style: chr16-1557687-G-A.
Other names: c.2377G>A, p.Glu793Lys (NM_001351846.2); c.2377G>A (NM_016111.3); short protein forms E793K.
Identifiers: ClinVar variation 2167645 (VCV002167645.2), dbSNP rs769720218, ClinGen allele CA7812644.